The following is an entry in ClinVar:

ClinVar aggregate classification (germline): Benign/Likely benign. Review status: criteria provided, multiple submitters, no conflicts (2 of 4 stars). 5 submissions from 5 submitters: Benign (1); Likely benign (4). Last evaluated 2026-04-23.

Conditions:
Colorectal cancer, susceptibility to, 1. Also called: COLORECTAL ADENOMA AND CANCER, SUSCEPTIBILITY TO; COLORECTAL CANCER, SUSCEPTIBILITY TO, ON CHROMOSOME 9. Identifiers: MedGen C1837315, MONDO:0012132, OMIM 608812.

Allele frequency attached by ClinVar (database versions not stated): gnomAD exomes 0.00001.
gnomAD v4.1: 21 of 1,611,704 alleles (0.0013%); highest among the groups gnomAD compares: Middle Eastern, 0.021%; no homozygotes.

Submissions (5):

Myriad Genetics, Inc.
Classification: Benign for Colorectal cancer, susceptibility to, 1. Last evaluated: 2026-04-23. Review status: criteria provided, single submitter. Criteria: Myriad Autosomal Dominant, Autosomal Recessive and X-Linked Classification Criteria (2023). Collection method: clinical testing. Allele origin: unknown.
Comment: This variant is considered benign. This variant is a silent/synonymous amino acid change and it is not expected to impact splicing.

Labcorp Genetics (formerly Invitae), Labcorp
Classification: Likely benign. Last evaluated: 2024-07-31. Review status: criteria provided, single submitter. Criteria: Invitae Variant Classification Sherloc (09022015). Collection method: clinical testing. Allele origin: germline.

Quest Diagnostics Nichols Institute San Juan Capistrano
Classification: Likely benign. Last evaluated: 2023-07-21. Review status: criteria provided, single submitter. Criteria: Quest Diagnostics criteria. Collection method: clinical testing. Allele origin: unknown.

Blueprint Genetics
Classification: Likely benign. Last evaluated: 2020-07-13. Review status: criteria provided, single submitter. Criteria: ACMG Guidelines, 2015. Collection method: clinical testing. Allele origin: germline.

Ambry Genetics
Classification: Likely benign. Last evaluated: 2020-03-15. Review status: criteria provided, single submitter. Criteria: Ambry Variant Classification Scheme 2023. Collection method: clinical testing. Allele origin: germline.

NM_024642.5(GALNT12):c.576G>A (p.Ser192=)

Gene: GALNT12 (polypeptide N-acetylgalactosaminyltransferase 12; plus strand). Cytogenetic location: 9q22.33.
Variant type: single nucleotide variant.
Coding change: c.576G>A on transcript NM_024642.5 (MANE Select); coding-DNA position 576, G replaced by A.
Protein change: p.Ser192=; no amino-acid change (serine 192 retained).
Molecular consequence: synonymous variant.
Genome position (GRCh38, 1-based): chr9:98,826,786, G>A. VCF-style: chr9-98826786-G-A. GRCh37 (hg19) VCF-style: chr9-101589068-G-A.
Identifiers: ClinVar variation 1416922 (VCV001416922.13), dbSNP rs780652927, ClinGen allele CA5153992.